The following is an entry in ClinVar:

NM_005751.5(AKAP9):c.11396A>T (p.Asp3799Val)

Gene: AKAP9 (A-kinase anchoring protein 9; plus strand). Cytogenetic location: 7q21.2.
Variant type: single nucleotide variant.
Coding change: c.11396A>T on transcript NM_005751.5 (MANE Select); coding-DNA position 11396, A replaced by T.
Protein change: p.Asp3799Val; replaces aspartic acid 3799 with valine.
Molecular consequence: missense variant.
Genome position (GRCh38, 1-based): chr7:92,105,743, A>T. VCF-style: chr7-92105743-A-T. GRCh37 (hg19) VCF-style: chr7-91735057-A-T.
Other names: c.6041A>T, p.Asp2014Val (NM_001379277.1); c.11372A>T, p.Asp3791Val (NM_147185.3); short protein forms D3799V, D3791V, D2014V.
Identifiers: ClinVar variation 2854130 (VCV002854130.3), dbSNP rs2535327256, ClinGen allele CA368163732.

ClinVar aggregate classification (germline): Uncertain significance (1 of 4 stars; one submission).

Conditions:
Long QT syndrome (LQTS). Identifiers: MedGen C0023976, MeSH D008133, MONDO:0002442. Disease mechanism: loss of function. Inheritance: Various modes of inheritance.

gnomAD v4.1: 1 of 1,614,086 alleles (0.000062%); highest among the groups gnomAD compares: Non-Finnish European, 0.000085%; no homozygotes.

Submission:

Labcorp Genetics (formerly Invitae), Labcorp
Classification: Uncertain significance for Long QT syndrome. Last evaluated: 2023-04-17. Review status: criteria provided, single submitter. Criteria: Invitae Variant Classification Sherloc (09022015). Collection method: clinical testing. Allele origin: germline.
Comment: This variant has not been reported in the literature in individuals affected with AKAP9-related conditions. This sequence change replaces aspartic acid, which is acidic and polar, with valine, which is neutral and non-polar, at codon 3799 of the AKAP9 protein (p.Asp3799Val). This variant is not present in population databases (gnomAD no frequency). An algorithm developed to predict the effect of missense changes on protein structure and function (PolyPhen-2) suggests that this variant is likely to be disruptive. In summary, the available evidence is currently insufficient to determine the role of this variant in disease. Therefore, it has been classified as a Variant of Uncertain Significance.